The following is an entry in ClinVar:

ClinVar aggregate classification (germline): Uncertain significance (1 of 4 stars; one submission).

Conditions:
Epilepsy, familial adult myoclonic, 5 (EPEO5). Also called: CORTICAL MYOCLONIC TREMOR WITH EPILEPSY, FAMILIAL, 5. Identifiers: Orphanet 86814, MedGen C3809374, MONDO:0014167, OMIM 615400.

gnomAD v4.1: 4 of 1,613,990 alleles (0.00025%); highest among the groups gnomAD compares: Non-Finnish European, 0.00034%; no homozygotes.

Submission:

Labcorp Genetics (formerly Invitae), Labcorp
Classification: Uncertain significance for Epilepsy, familial adult myoclonic, 5. Last evaluated: 2024-04-17. Review status: criteria provided, single submitter. Criteria: Invitae Variant Classification Sherloc (09022015). Collection method: clinical testing. Allele origin: germline.
Comment: This sequence change replaces proline, which is neutral and non-polar, with serine, which is neutral and polar, at codon 637 of the CNTN2 protein (p.Pro637Ser). This variant is not present in population databases (gnomAD no frequency). This variant has not been reported in the literature in individuals affected with CNTN2-related conditions. Advanced modeling of protein sequence and biophysical properties (such as structural, functional, and spatial information, amino acid conservation, physicochemical variation, residue mobility, and thermodynamic stability) performed at Invitae indicates that this missense variant is not expected to disrupt CNTN2 protein function with a negative predictive value of 95%. In summary, the available evidence is currently insufficient to determine the role of this variant in disease. Therefore, it has been classified as a Variant of Uncertain Significance.

NM_005076.5(CNTN2):c.1909C>T (p.Pro637Ser)

Gene: CNTN2 (contactin 2; plus strand). Cytogenetic location: 1q32.1.
Variant type: single nucleotide variant.
Coding change: c.1909C>T on transcript NM_005076.5 (MANE Select); coding-DNA position 1909, C replaced by T.
Protein change: p.Pro637Ser; replaces proline 637 with serine.
Molecular consequence: missense variant. On other transcripts: non-coding transcript variant (1).
Genome position (GRCh38, 1-based): chr1:205,066,533, C>T. VCF-style: chr1-205066533-C-T. GRCh37 (hg19) VCF-style: chr1-205035661-C-T.
Other names: c.1909C>T, p.Pro637Ser (NM_001346083.2); short protein forms P637S.
Identifiers: ClinVar variation 3618646 (VCV003618646.2).